The following is an entry in ClinVar:

NM_000057.4(BLM):c.2246T>C (p.Ile749Thr)

Gene: BLM (BLM RecQ like helicase; plus strand). Cytogenetic location: 15q26.1.
Variant type: single nucleotide variant.
Coding change: c.2246T>C on transcript NM_000057.4 (MANE Select); coding-DNA position 2246, T replaced by C.
Protein change: p.Ile749Thr; replaces isoleucine 749 with threonine.
Molecular consequence: missense variant.
Genome position (GRCh38, 1-based): chr15:90,766,962, T>C. VCF-style: chr15-90766962-T-C. GRCh37 (hg19) VCF-style: chr15-91310192-T-C.
Other names: c.2246T>C, p.Ile749Thr (NM_001287246.2, NM_001287247.2); c.1121T>C, p.Ile374Thr (NM_001287248.2); short protein forms I374T, I749T.
Identifiers: ClinVar variation 2073983 (VCV002073983.5), dbSNP rs748905577, ClinGen allele CA7738704.

ClinVar aggregate classification (germline): Uncertain significance. Review status: criteria provided, multiple submitters, no conflicts (2 of 4 stars). 2 submissions from 2 submitters: Uncertain significance (2). Last evaluated 2024-05-10.

Conditions:
Hereditary cancer-predisposing syndrome. Also called: Neoplastic Syndromes, Hereditary; Hereditary Cancer Syndrome; Tumor predisposition; Hereditary neoplastic syndrome. Identifiers: Orphanet 140162, MedGen C0027672, MeSH D009386, MONDO:0015356.
Bloom syndrome (BLM). Also called: Bloom-Torre-Machacek syndrome. Identifiers: Orphanet 125, MedGen C0005859, MONDO:0008876, OMIM 210900.

Allele frequency attached by ClinVar (database versions not stated): gnomAD exomes below 0.00001; ExAC 0.00001.
gnomAD v4.1: 2 of 1,606,684 alleles (0.00012%); highest among the groups gnomAD compares: Non-Finnish European, 0.00017%; no homozygotes.

Submissions (2):

Ambry Genetics
Classification: Uncertain significance for Hereditary cancer-predisposing syndrome. Last evaluated: 2024-05-10. Review status: criteria provided, single submitter. Criteria: Ambry Variant Classification Scheme 2023. Collection method: clinical testing. Allele origin: germline.
Comment: The p.I749T variant (also known as c.2246T>C), located in coding exon 9 of the BLM gene, results from a T to C substitution at nucleotide position 2246. The isoleucine at codon 749 is replaced by threonine, an amino acid with similar properties. This amino acid position is conserved. In addition, the in silico prediction for this alteration is inconclusive. Based on the available evidence, the clinical significance of this variant remains unclear.

Labcorp Genetics (formerly Invitae), Labcorp
Classification: Uncertain significance for Bloom syndrome. Last evaluated: 2024-03-06. Review status: criteria provided, single submitter. Criteria: Invitae Variant Classification Sherloc (09022015). Collection method: clinical testing. Allele origin: germline.
Comment: This sequence change replaces isoleucine, which is neutral and non-polar, with threonine, which is neutral and polar, at codon 749 of the BLM protein (p.Ile749Thr). This variant is present in population databases (rs748905577, gnomAD 0.0009%). This variant has not been reported in the literature in individuals affected with BLM-related conditions. ClinVar contains an entry for this variant (Variation ID: 2073983). Advanced modeling of protein sequence and biophysical properties (such as structural, functional, and spatial information, amino acid conservation, physicochemical variation, residue mobility, and thermodynamic stability) performed at Invitae indicates that this missense variant is not expected to disrupt BLM protein function with a negative predictive value of 80%. In summary, the available evidence is currently insufficient to determine the role of this variant in disease. Therefore, it has been classified as a Variant of Uncertain Significance.